The following is an entry in ClinVar:

ClinVar aggregate classification (germline): Uncertain significance. Review status: criteria provided, multiple submitters, no conflicts (2 of 4 stars). 2 submissions from 2 submitters: Uncertain significance (2). Last evaluated 2025-03-04.

Conditions:
Familial adenomatous polyposis 2. Also called: MYH-associated polyposis; Adenomas, multiple colorectal; COLORECTAL ADENOMATOUS POLYPOSIS, AUTOSOMAL RECESSIVE; ADENOMAS, MULTIPLE COLORECTAL, AUTOSOMAL RECESSIVE; MUTYH Polyposis; FAP type 2. Identifiers: Orphanet 220460, Orphanet 247798, MedGen C3272841, MONDO:0012041, OMIM 608456.

Submissions (2):

Center for Genomic Medicine, Rigshospitalet, Copenhagen University Hospital
Classification: Uncertain significance. Last evaluated: 2025-03-04. Review status: criteria provided, single submitter. Criteria: ACMG Guidelines, 2015. Collection method: clinical testing. Allele origin: germline.

Labcorp Genetics (formerly Invitae), Labcorp
Classification: Uncertain significance for Familial adenomatous polyposis 2. Last evaluated: 2021-12-25. Review status: criteria provided, single submitter. Criteria: Invitae Variant Classification Sherloc (09022015). Collection method: clinical testing. Allele origin: germline.
Comment: This missense change has been observed in individual(s) with colorectal cancer and/or colorectal polyps (Invitae). In summary, the available evidence is currently insufficient to determine the role of this variant in disease. Therefore, it has been classified as a Variant of Uncertain Significance. Algorithms developed to predict the effect of missense changes on protein structure and function (SIFT, PolyPhen-2, Align-GVGD) all suggest that this variant is likely to be disruptive. This variant is not present in population databases (gnomAD no frequency). This sequence change replaces serine, which is neutral and polar, with phenylalanine, which is neutral and non-polar, at codon 447 of the MUTYH protein (p.Ser447Phe).

NM_001048174.2(MUTYH):c.1256C>T (p.Ser419Phe)

Gene: MUTYH (mutY DNA glycosylase; minus strand). Cytogenetic location: 1p34.1.
Variant type: single nucleotide variant.
Coding change: c.1256C>T on transcript NM_001048174.2 (MANE Select); coding-DNA position 1256, C replaced by T.
Protein change: p.Ser419Phe; replaces serine 419 with phenylalanine.
Molecular consequence: missense variant. On other transcripts: non-coding transcript variant (2).
Genome position (GRCh38, 1-based): chr1:45,331,318, G>A on the plus strand (C>T on the coding strand, the complement: MUTYH is on the minus strand). VCF-style: chr1-45331318-G-A. GRCh37 (hg19) VCF-style: chr1-45796990-G-A.
Other names: c.1256C>T, p.Ser419Phe (NM_001048171.2, NM_001048173.2, NM_001293195.2 and 6 more transcripts); c.1259C>T, p.Ser420Phe (NM_001048172.2, NM_001407071.1, NM_001407078.1 and 1 more transcripts); c.1340C>T, p.Ser447Phe (NM_001128425.2); c.1301C>T, p.Ser434Phe (NM_001293190.2); c.1289C>T, p.Ser430Phe (NM_001293191.2, NM_001407069.1, NM_001407077.1); c.980C>T, p.Ser327Phe (NM_001293192.2, NM_001293196.2, NM_001407091.1); c.911C>T, p.Ser304Phe (NM_001350650.2, NM_001350651.2, NM_001407082.1); c.1172C>T, p.Ser391Phe (NM_001407075.1); and 5 more; short protein forms S304F, S327F, S391F, S405F, S406F, S419F, S420F, S426F.
Identifiers: ClinVar variation 1802714 (VCV001802714.10), dbSNP rs2149114613, ClinGen allele CA340132774.